The following is an entry in ClinVar:

ClinVar aggregate classification (germline): Likely pathogenic (1 of 4 stars; one submission).

Submission:

CeGaT Center for Human Genetics Tuebingen
Classification: Likely pathogenic. Last evaluated: 2025-10-01. Review status: criteria provided, single submitter. Criteria: CeGaT Center For Human Genetics Tuebingen Variant Classification Criteria Version 2. Collection method: clinical testing. Allele origin: germline. Affected: yes. Observed: 2 variant alleles.
Comment: PROS1: PM2, PP4:Moderate, PVS1:Moderate

NM_000313.4(PROS1):c.1A>T (p.Met1Leu)

Gene: PROS1 (protein S; minus strand). Cytogenetic location: 3q11.1.
Variant type: single nucleotide variant.
Coding change: c.1A>T on transcript NM_000313.4 (MANE Select); coding-DNA position 1, A replaced by T.
Protein change: p.Met1Leu; changes the start codon (methionine 1).
Molecular consequence: missense variant, initiator codon variant.
Genome position (GRCh38, 1-based): chr3:93,973,749, T>A on the plus strand (A>T on the coding strand, the complement: PROS1 is on the minus strand). VCF-style: chr3-93973749-T-A. GRCh37 (hg19) VCF-style: chr3-93692593-T-A.
Other names: c.1A>T, p.Met1Leu (NM_001314077.2); short protein forms M1L.
Identifiers: ClinVar variation 4535007 (VCV004535007.6).